The following is an entry in ClinVar:

NM_005036.6(PPARA):c.39A>G (p.Pro13=)

Gene: PPARA (peroxisome proliferator activated receptor alpha; plus strand). Cytogenetic location: 22q13.31.
Variant type: single nucleotide variant.
Coding change: c.39A>G on transcript NM_005036.6 (MANE Select); coding-DNA position 39, A replaced by G.
Protein change: p.Pro13=; no amino-acid change (proline 13 retained).
Molecular consequence: synonymous variant.
Genome position (GRCh38, 1-based): chr22:46,198,422, A>G. VCF-style: chr22-46198422-A-G. GRCh37 (hg19) VCF-style: chr22-46594319-A-G.
Other names: c.39A>G, p.Pro13= (NM_001001928.4, NM_001001929.3, NM_001362872.2 and 8 more transcripts).
Identifiers: ClinVar variation 3047077 (VCV003047077.2), dbSNP rs117490878, ClinGen allele CA10288821.

ClinVar aggregate classification (germline): Likely benign (0 of 4 stars; one submission).

Conditions:
PPARA-related disorder. Also called: PPARA-related condition.

Allele frequency attached by ClinVar (database versions not stated): TOPMed 0.00010; 1000 Genomes Project 30x 0.00016; gnomAD exomes 0.00017; ExAC 0.00018; gnomAD 0.00019; 1000 Genomes Project 0.00020.
gnomAD v4.1: 275 of 1,613,428 alleles (0.017%); highest among the groups gnomAD compares: Non-Finnish European, 0.022%; no homozygotes.

Submission:

PreventionGenetics, part of Exact Sciences
Classification: Likely benign for PPARA-related condition. Last evaluated: 2019-03-07. Review status: no assertion criteria provided. Collection method: clinical testing. Allele origin: germline.
Comment: This variant is classified as likely benign based on ACMG/AMP sequence variant interpretation guidelines (Richards et al. 2015 PMID: 25741868, with internal and published modifications).